The following is an entry in ClinVar:

ClinVar aggregate classification (germline): Uncertain significance (1 of 4 stars; one submission).

Conditions:
Charcot-Marie-Tooth disease type 4. Also called: Charcot-Marie-Tooth disease, type IV; Charcot-Marie-Tooth, Type 4. Identifiers: Orphanet 64749, MedGen C4082197, MONDO:0018995.

Submission:

Labcorp Genetics (formerly Invitae), Labcorp
Classification: Uncertain significance for Charcot-Marie-Tooth disease type 4. Last evaluated: 2019-12-19. Review status: criteria provided, single submitter. Criteria: Invitae Variant Classification Sherloc (09022015). Collection method: clinical testing. Allele origin: germline.
Comment: This sequence change replaces lysine with asparagine at codon 360 of the FGD4 protein (p.Lys360Asn). The lysine residue is highly conserved and there is a moderate physicochemical difference between lysine and asparagine. This variant is not present in population databases (ExAC no frequency). This variant has not been reported in the literature in individuals with FGD4-related conditions. Algorithms developed to predict the effect of missense changes on protein structure and function (SIFT, PolyPhen-2, Align-GVGD) all suggest that this variant is likely to be disruptive, but these predictions have not been confirmed by published functional studies and their clinical significance is uncertain. In summary, the available evidence is currently insufficient to determine the role of this variant in disease. Therefore, it has been classified as a Variant of Uncertain Significance.

NM_001370298.3(FGD4):c.1491G>T (p.Lys497Asn)

Gene: FGD4 (FYVE, RhoGEF and PH domain containing 4; plus strand). Cytogenetic location: 12p11.21.
Variant type: single nucleotide variant.
Coding change: c.1491G>T on transcript NM_001370298.3 (MANE Select); coding-DNA position 1491, G replaced by T.
Protein change: p.Lys497Asn; replaces lysine 497 with asparagine.
Molecular consequence: missense variant.
Genome position (GRCh38, 1-based): chr12:32,608,043, G>T. VCF-style: chr12-32608043-G-T. GRCh37 (hg19) VCF-style: chr12-32760977-G-T.
Other names: c.1335G>T, p.Lys445Asn (NM_001304481.2); c.336G>T, p.Lys112Asn (NM_001304483.2); c.48G>T, p.Lys16Asn (NM_001304484.2); c.801G>T, p.Lys267Asn (NM_001330373.2, NM_001330374.2, NM_001384130.1); c.528G>T, p.Lys176Asn (NM_001370297.1); c.1491G>T, p.Lys497Asn (NM_001384126.1); c.1080G>T, p.Lys360Asn (NM_001384127.1, NM_001384128.1, NM_001385118.1 and 1 more transcripts); short protein forms K16N, K176N, K445N, K112N, K267N, K360N, K497N.
Identifiers: ClinVar variation 838462 (VCV000838462.10), dbSNP rs1948897635, ClinGen allele CA384360525.